The following is an entry in ClinVar:

ClinVar aggregate classification (germline): Conflicting classifications of pathogenicity. Review status: criteria provided, conflicting classifications (1 of 4 stars). 16 submissions from 16 submitters: Uncertain significance (11); Likely benign (2). 3 of the submissions do not count toward it. Last evaluated 2025-08-12.

Conditions:
Familial ovarian cancer. Identifiers: MedGen C5679802, MONDO:0016248.
Hereditary cancer-predisposing syndrome. Also called: Tumor predisposition; Hereditary Cancer Syndrome; Neoplastic Syndromes, Hereditary; Hereditary neoplastic syndrome. Identifiers: Orphanet 140162, MedGen C0027672, MeSH D009386, MONDO:0015356.
Microcephaly, normal intelligence and immunodeficiency (NBS). Also called: IMMUNODEFICIENCY, MICROCEPHALY, AND CHROMOSOMAL INSTABILITY; BERLIN BREAKAGE SYNDROME; Immunodeficiency, microcephaly with normal intelligence; Ataxia telangiectasia variant V1; Nijmegen breakage syndrome; Microcephaly with normal intelligence immunodeficiency and lymphoreticular malignancies. Identifiers: Orphanet 647, MedGen C0398791, MONDO:0009623, OMIM 251260.

Allele frequency attached by ClinVar (database versions not stated): gnomAD 0.00001 and 0.00003; gnomAD exomes 0.00003; ExAC 0.00005; TOPMed 0.00005.
gnomAD v4.1: 43 of 1,557,894 alleles (0.0028%); highest among the groups gnomAD compares: East Asian, 0.0091%; no homozygotes.

Submissions 1 to 15 of 16:

Women's Health and Genetics/Laboratory Corporation of America, LabCorp
Classification: Uncertain significance. Last evaluated: 2025-08-12. Review status: criteria provided, single submitter. Criteria: LabCorp Variant Classification Summary - May 2015. Collection method: clinical testing. Allele origin: germline.
Comment: Variant summary: NBN c.1912T>C (p.Ser638Pro) results in a non-conservative amino acid change in the encoded protein sequence. Algorithms developed to predict the effect of missense changes on protein structure and function are either unavailable or do not agree on the potential impact of this missense change. Consensus agreement among computation tools predict no significant impact on normal splicing. However, these predictions have yet to be confirmed by functional studies. The variant allele was found at a frequency of 2.6e-05 in 230692 control chromosomes. The available data on variant occurrences in the general population are insufficient to allow any conclusion about variant significance. c.1912T>C has been observed in settings of multigene panel testing in individuals affected with colorectal, breast, prostate, or ovarian cancer, but without strong evidence for causality and at least one individual harbored a pathogenic variant in PALB2 (e.g. Yurgelun_2017, Wang_2019, Wei_2019, Jiang_2021, Guimgalini_2022, Prokofyeva_2023, Rawashdeh_2024). These reports do not provide unequivocal conclusions about association of the variant with Hereditary Breast And Ovarian Cancer Syndrome. To our knowledge, no experimental evidence demonstrating an impact on protein function has been reported. The following publications have been ascertained in the context of this evaluation (PMID: 35264596, 34102435, 37013556, 39541563, 30982232, 31248605, 28135145). ClinVar contains an entry for this variant (Variation ID: 141273). Based on the evidence outlined above, the variant was classified as uncertain significance.

Ambry Genetics
Classification: Likely benign for Hereditary cancer-predisposing syndrome. Last evaluated: 2025-07-25. Review status: criteria provided, single submitter. Criteria: Ambry Variant Classification Scheme 2023. Collection method: clinical testing. Allele origin: germline.

GeneDx
Classification: Uncertain significance. Last evaluated: 2025-07-16. Review status: criteria provided, single submitter. Criteria: GeneDx Variant Classification Process June 2021. Collection method: clinical testing. Allele origin: germline. Affected: yes.
Comment: Not observed at significant frequency in large population cohorts (gnomAD); In silico analysis suggests that this missense variant does not alter protein structure/function; Observed in an individual with a personal history of rectal cancer who also carried a PALB2 pathogenic variant (Yurgelun 2017); This variant is associated with the following publications: (PMID: 28135145, 32668560, 24349281, 36232564, 37517399, 35264596, 33471991, 32885271, 30982232, 37013556, 35534704, 39541563)

Mendelics
Classification: Likely benign for Microcephaly, normal intelligence and immunodeficiency. Last evaluated: 2025-06-23. Review status: criteria provided, single submitter. Criteria: ACMG Guidelines, 2015. Collection method: clinical testing. Allele origin: unknown.
Comment: This variant is considered likely benign or benign based on one or more of the following: it is predicted to be benign by multiple in silico algorithms, and/or has population frequency not consistent with disease, and/or has normal protein function, and/or has lack of segregation with disease, and/or has been detected in co-occurrence with known pathogenic variant, and/or has lack of disease association in case-control studies, and/or is located in a region inconsistent with a known cause of pathogenicity.

Hereditary Cancer Laboratory, Hospital Universitario 12 de Octubre
Classification: Uncertain significance for Hereditary cancer-predisposing syndrome. Last evaluated: 2024-08-18. Review status: criteria provided, single submitter. Criteria: ACMG Guidelines, 2015. Collection method: clinical testing. Allele origin: germline.
Comment: PM2

Blueprint Genetics
Classification: Uncertain significance. Last evaluated: 2024-07-30. Review status: criteria provided, single submitter. Criteria: ACMG Guidelines, 2015. Collection method: clinical testing. Allele origin: germline.

Labcorp Genetics (formerly Invitae), Labcorp
Classification: Uncertain significance for Microcephaly, normal intelligence and immunodeficiency. Last evaluated: 2022-10-25. Review status: criteria provided, single submitter. Criteria: Invitae Variant Classification Sherloc (09022015). Collection method: clinical testing. Allele origin: germline.
Comment: This sequence change replaces serine, which is neutral and polar, with proline, which is neutral and non-polar, at codon 638 of the NBN protein (p.Ser638Pro). This variant is present in population databases (rs199657566, gnomAD 0.004%). This missense change has been observed in individual(s) with colorectal cancer (PMID: 28135145). ClinVar contains an entry for this variant (Variation ID: 141273). Algorithms developed to predict the effect of missense changes on protein structure and function output the following: SIFT: "Tolerated"; PolyPhen-2: "Benign"; Align-GVGD: "Class C0". The proline amino acid residue is found in multiple mammalian species, which suggests that this missense change does not adversely affect protein function. In summary, the available evidence is currently insufficient to determine the role of this variant in disease. Therefore, it has been classified as a Variant of Uncertain Significance.

Mayo Clinic Laboratories, Mayo Clinic
Classification: Uncertain significance. Last evaluated: 2022-01-18. Review status: criteria provided, single submitter. Criteria: ACMG Guidelines, 2015. Collection method: clinical testing. Allele origin: germline.

Genome-Nilou Lab
Classification: Uncertain significance for Microcephaly, normal intelligence and immunodeficiency. Last evaluated: 2021-11-07. Review status: criteria provided, single submitter. Criteria: ACMG Guidelines, 2015. Collection method: clinical testing. Allele origin: germline. Affected: no.

Sema4
Classification: Uncertain significance for Hereditary cancer-predisposing syndrome. Last evaluated: 2021-09-16. Review status: criteria provided, single submitter. Criteria: Sema4 Curation Guidelines. Collection method: curation. Allele origin: germline.
Comment: The NBN c.1912T>C (p.S638P) variant has been reported in at least five individuals with breast cancer, but was also reported in healthy controls in the same study (PMID: 33471991). This variant was also reported in a patient with colorectal cancer, who also carries a pathogenic variant in PALB2 (PMID: 28135145). It was observed in 4/101424 chromosomes of the Non-Finnish European subpopulation in the large and broad cohorts of the Genome Aggregation Database (PMID: 32461654). The variant has been reported in ClinVar (Variation ID: 141273). In silico tools suggest the impact of the variant on protein function is benign, though these predictions have not been confirmed by functional studies. The evidence is insufficient to meet ACMG/AMP criteria for classifying the variant as benign or pathogenic. Thus, the clinical significance of this variant is currently uncertain.

Color Diagnostics, LLC DBA Color Health
Classification: Uncertain significance for Hereditary cancer-predisposing syndrome. Last evaluated: 2020-12-07. Review status: criteria provided, single submitter. Criteria: ACMG Guidelines, 2015. Collection method: clinical testing. Allele origin: germline.
Comment: This missense variant replaces serine with proline at codon 638 of the NBN protein. Computational prediction suggests that this variant may not impact protein structure and function (internally defined REVEL score threshold <= 0.5, PMID: 27666373). To our knowledge, functional studies have not been reported for this variant. This variant has been reported in an individual affected with colorectal cancer (PMID: 28135145). This variant has been identified in 6/230692 chromosomes in the general population by the Genome Aggregation Database (gnomAD). The available evidence is insufficient to determine the role of this variant in disease conclusively. Therefore, this variant is classified as a Variant of Uncertain Significance.

Quest Diagnostics Nichols Institute San Juan Capistrano
Classification: Uncertain significance. Last evaluated: 2020-02-21. Review status: criteria provided, single submitter. Criteria: Quest Diagnostics criteria. Collection method: clinical testing. Allele origin: unknown.

Illumina Laboratory Services, Illumina
Classification: Uncertain significance for Microcephaly, normal intelligence and immunodeficiency. Last evaluated: 2017-04-27. Review status: criteria provided, single submitter. Criteria: ICSL Variant Classification Criteria 13 December 2019. Collection method: clinical testing. Allele origin: germline.

Natera, Inc.
Classification: Uncertain significance for Nijmegen breakage syndrome. Last evaluated: 2020-09-29. Review status: no assertion criteria provided. Collection method: clinical testing. Allele origin: germline. Not counted in ClinVar's aggregate classification.

Counsyl
Classification: Uncertain significance for Microcephaly, normal intelligence and immunodeficiency. Last evaluated: 2018-05-07. Review status: no assertion criteria provided. Collection method: clinical testing. Allele origin: unknown. Not counted in ClinVar's aggregate classification.

NM_002485.5(NBN):c.1912T>C (p.Ser638Pro)

Genes: NBN (nibrin; minus strand), LOC126860438 (MED14-independent group 3 enhancer GRCh37_chr8:90959982-90961181; plus strand). Cytogenetic location: 8q21.3.
Variant type: single nucleotide variant.
Coding change: c.1912T>C on transcript NM_002485.5 (MANE Select); coding-DNA position 1912, T replaced by C.
Protein change: p.Ser638Pro; replaces serine 638 with proline.
Molecular consequence: missense variant.
Genome position (GRCh38, 1-based): chr8:89,947,826, A>G on the plus strand (T>C on the coding strand, the complement: NBN is on the minus strand). VCF-style: chr8-89947826-A-G. GRCh37 (hg19) VCF-style: chr8-90960054-A-G.
Other names: p.Ser638Pro; c.1666T>C, p.Ser556Pro (NM_001024688.3); short protein forms S638P, S556P.
Identifiers: ClinVar variation 141273 (VCV000141273.43), dbSNP rs199657566, ClinGen allele CA164965.